The following is an entry in ClinVar:

ClinVar aggregate classification (germline): Conflicting classifications of pathogenicity. Review status: criteria provided, conflicting classifications (1 of 4 stars). 8 submissions from 8 submitters: Pathogenic (5); Likely pathogenic (1); Uncertain significance (1). 1 of the submissions does not count toward it. Last evaluated 2026-02-24.

Conditions:
FXN-related disorder. Also called: FXN-related condition.
Friedreich ataxia 1 (FRDA1). Identifiers: Orphanet 95, MedGen C1856689, MONDO:0100340, OMIM 229300.
Friedreich ataxia (FRDA). Also called: Friedreich's ataxia; Spinocerebellar ataxia, Friedreich; Hereditary spinal sclerosis; Hereditary spinal ataxia. Identifiers: Orphanet 95, MedGen C0016719, MONDO:0100339, MONDO:0009245.

Allele frequency attached by ClinVar (database versions not stated): gnomAD 0.00003 and 0.00004; TOPMed 0.00004.
gnomAD v4.1: 67 of 1,606,160 alleles (0.0042%); highest among the groups gnomAD compares: Non-Finnish European, 0.0053%; no homozygotes.

Submissions (8):

GeneDx
Classification: Pathogenic. Last evaluated: 2026-02-24. Review status: criteria provided, single submitter. Criteria: GeneDx Variant Classification Process June 2021. Collection method: clinical testing. Allele origin: germline.
Comment: Published functional studies suggest a damaging effect with this variant resulting in a protein with a defect in protein processing (PMID: 28812047); In silico analysis supports that this missense variant has a deleterious effect on protein structure/function; Not observed at significant frequency in large population cohorts (gnomAD); This variant is associated with the following publications: (PMID: 9700204, 11020385, 17331979, 9989622, 26704351, 11030757, 20162437, 26301374, 9150176, 11843702, 26339677, 21298097, 19629184, 19494730, 18537827, 12019217, 10543403, 31980526, 36129056, 28812047)

Variantyx, Inc.
Classification: Pathogenic for Friedreich ataxia 1. Last evaluated: 2025-10-27. Review status: criteria provided, single submitter. Criteria: Variantyx Assertion Criteria 2022. Collection method: clinical testing. Allele origin: germline. Inheritance: Autosomal recessive inheritance. Affected: yes.
Comment: This is a nonsynonymous variant in the FXN gene (OMIM: 606829). Pathogenic variants in this gene have been associated with autosomal recessive Friedreich ataxia. This variant has been identified in the homozygous or compound heterozygous state in several unrelated individuals reported in the published literature (PMID: 9150176, 20162437, 11843702, 9989622) (PM3). Functional studies have shown that this variant alters FXN protein function (PMID: 28812047, 33629768, 11030757) (PS3), and multiple computational algorithms predict a deleterious effect for this variant (REVEL score: 0.99) (PP3). This variant has a 0.0053% maximum allele frequency in non-founder control populations (PM2). Based on the current evidence, this variant is classified as pathogenic for autosomal recessive Friedreich ataxia.

PreventionGenetics, part of Exact Sciences
Classification: Pathogenic for FXN-related condition. Last evaluated: 2025-08-06. Review status: criteria provided, single submitter. Criteria: ACMG Guidelines, 2015. Collection method: clinical testing. Allele origin: germline.
Comment: The FXN c.389G>T variant is predicted to result in the amino acid substitution p.Gly130Val. This variant has been thoroughly reported in the literature in individuals presenting with atypical Friedreich Ataxia, characterized generally by milder phenotype presentation with slow progression of symptoms (see for example McCabe et al. 2002. PubMed ID: 11843702; Bidichandani et al. 1997. PubMed ID: 9150176; Galea et al. 2016. PubMed ID: 26704351; Cossee et al. 1999. PubMed ID:9989622). Protein modeling suggests the p.Gly130Val substitution weakens frataxin secondary structures and subsequently reduces binding to proteins involved in iron sulfur cluster (ISC) assembly (Galea et al. 2016. PubMed ID: 26704351). This variant is reported in 0.0062% of alleles in individuals of European (Non-Finnish) descent in gnomAD. This variant is interpreted as pathogenic.

Revvity Omics, Revvity
Classification: Pathogenic for Friedreich ataxia 1. Last evaluated: 2024-12-18. Review status: criteria provided, single submitter. Criteria: ACMG Guidelines, 2015. Collection method: clinical testing. Allele origin: germline.

Athena Diagnostics
Classification: Pathogenic. Last evaluated: 2022-11-18. Review status: criteria provided, single submitter. Criteria: Athena Diagnostics Criteria. Collection method: clinical testing. Allele origin: unknown.
Comment: The frequency of this variant in the general population is consistent with pathogenicity. This variant segregates with disease in multiple families. Assessment of experimental evidence suggests this variant results in abnormal protein function. (PMID: 11030757, 18537827) In multiple individuals, this variant has been seen with a single recessive pathogenic variant in the same gene, suggesting this variant may also be pathogenic.

AiLife Diagnostics
Classification: Uncertain significance. Last evaluated: 2021-05-26. Review status: criteria provided, single submitter. Criteria: ACMG Guidelines, 2015. Collection method: clinical testing. Allele origin: germline. Affected: yes. Observed: 1 variant allele.

Genetic Services Laboratory, University of Chicago
Classification: Likely pathogenic. Last evaluated: 2018-09-10. Review status: criteria provided, single submitter. Criteria: ACMG Guidelines, 2015. Collection method: clinical testing. Allele origin: germline. Affected: yes.
Comment: DNA sequence analysis of the FXN gene demonstrated a sequence change, c.389G>T, in exon 4 that results in an amino acid change, p.Gly130Val. The p.Gly130Val change affects a highly conserved amino acid residue located in a domain of the FXN protein that is known to be functional. The p.Gly130Val substitution appears to be deleterious using several in-silico pathogenicity prediction tools (SIFT, PolyPhen2, Align GVGD, REVEL). PMID: 9150176 identified this sequence change in the compound heterozygous state with a GAA trinucleotide repeat expansion in three siblings with atypical Friedreich ataxia phenotype. PMID: 17331979 showed that this sequence change interfered with FXN protein expression in transfected HEK293T cells. This sequence change has been described in the genome Aggregation Database (gnomAD) with a very low population frequency of 0.0063% (dbSNP rs104894107).

OMIM
Classification: Pathogenic for FRIEDREICH ATAXIA. Last evaluated: 2007-04-15. Review status: no assertion criteria provided. Collection method: literature only. Allele origin: germline. Not counted in ClinVar's aggregate classification.

Literature cited by the submitters: PubMed 28812047 (cited by 3 submitters); PubMed 33629768 (cited by Variantyx, Inc.); PubMed 11030757 (cited by 3 submitters); PubMed 9150176 (cited by 4 submitters); PubMed 20162437 (cited by Variantyx, Inc. and AiLife Diagnostics); PubMed 11843702 (cited by 3 submitters); PubMed 9989622 (cited by Variantyx, Inc. and Athena Diagnostics); PubMed 17331979 (cited by Athena Diagnostics and OMIM); PubMed 26339677 (cited by Athena Diagnostics); PubMed 26704351 (cited by Athena Diagnostics); PubMed 10543403 (cited by Athena Diagnostics and OMIM); PubMed 10732799 (cited by Athena Diagnostics); PubMed 11020385 (cited by Athena Diagnostics); PubMed 12019217 (cited by Athena Diagnostics); PubMed 18537827 (cited by Athena Diagnostics); PubMed 19494730 (cited by Athena Diagnostics); PubMed 19629184 (cited by Athena Diagnostics); PubMed 21298097 (cited by Athena Diagnostics); PubMed 26301374 (cited by AiLife Diagnostics); PubMed 31980526 (cited by AiLife Diagnostics); PubMed 9700204 (cited by OMIM).

NM_000144.5(FXN):c.389G>T (p.Gly130Val)

Gene: FXN (frataxin; plus strand). Cytogenetic location: 9q21.11.
Variant type: single nucleotide variant.
Coding change: c.389G>T on transcript NM_000144.5 (MANE Select); coding-DNA position 389, G replaced by T.
Protein change: p.Gly130Val; replaces glycine 130 with valine.
Molecular consequence: missense variant.
Genome position (GRCh38, 1-based): chr9:69,064,942, G>T. VCF-style: chr9-69064942-G-T. GRCh37 (hg19) VCF-style: chr9-71679858-G-T.
Other names: c.389G>T, p.Gly130Val (NM_181425.3); short protein forms G130V.
Identifiers: ClinVar variation 3982 (VCV000003982.13), dbSNP rs104894107, ClinGen allele CA252966.
Genomic context (GRCh38, chr9:69,064,942, plus strand): 5'-TGCTAACTTTTTCTTGTTTTAATTTCTTTATGCTTTTTTTCCACCTAATCCCCTAGAGTG[G>T]TGTCTTAACTGTCAAACTGGGTGGAGATCTAGGAACCTATGTGATCAACAAGCAGACGCC-3'
Protein context (NP_000135.2, residues 120-140): FEDYDVSFGS[Gly130Val]VLTVKLGGDL